The following is an entry in ClinVar:

ClinVar aggregate classification (germline): Uncertain significance (1 of 4 stars; one submission).

Conditions:
Amyotrophic lateral sclerosis type 1 (ALS1). Also called: AMYOTROPHIC LATERAL SCLEROSIS 1, FAMILIAL. Identifiers: Orphanet 803, MedGen C1862939, MONDO:0007103, OMIM 105400.
Neuronopathy, distal hereditary motor, type 7B. Also called: HMN VIIB; LOWER MOTOR NEURON DISEASE, DYNACTIN TYPE; NEURONOPATHY, DISTAL HEREDITARY MOTOR, AUTOSOMAL DOMINANT 14; NEURONOPATHY, DISTAL HEREDITARY MOTOR, HARDING TYPE VIIB; NEUROPATHY, DISTAL HEREDITARY MOTOR, HARDING TYPE VIIB; NEUROPATHY, DISTAL HEREDITARY MOTOR, WITH VOCAL CORD PARALYSIS, HARDING TYPE VIIB. Identifiers: Orphanet 139589, MedGen C1843315, MONDO:0011879, OMIM 607641.
Perry syndrome. Also called: PARKINSONISM WITH ALVEOLAR HYPOVENTILATION AND MENTAL DEPRESSION. Identifiers: Orphanet 178509, MedGen C1868594, MONDO:0008201, OMIM 168605.

Submission:

Labcorp Genetics (formerly Invitae), Labcorp
Classification: Uncertain significance for Amyotrophic lateral sclerosis type 1; Neuronopathy, distal hereditary motor, type 7B; Perry syndrome. Last evaluated: 2023-07-08. Review status: criteria provided, single submitter. Criteria: Invitae Variant Classification Sherloc (09022015). Collection method: clinical testing. Allele origin: germline.
Comment: In summary, the available evidence is currently insufficient to determine the role of this variant in disease. Therefore, it has been classified as a Variant of Uncertain Significance. This sequence change creates a premature translational stop signal (p.Glu334*) in the DCTN1 gene. It is expected to result in an absent or disrupted protein product. However, the current clinical and genetic evidence is not sufficient to establish whether loss-of-function variants in DCTN1 cause disease. This variant is not present in population databases (gnomAD no frequency). This variant has not been reported in the literature in individuals affected with DCTN1-related conditions.

NM_004082.5(DCTN1):c.1000G>T (p.Glu334Ter)

Gene: DCTN1 (dynactin subunit 1; minus strand). Cytogenetic location: 2p13.1.
Variant type: single nucleotide variant.
Coding change: c.1000G>T on transcript NM_004082.5 (MANE Select); coding-DNA position 1000, G replaced by T.
Protein change: p.Glu334Ter; replaces glutamic acid 334 with a stop codon.
Molecular consequence: nonsense. On other transcripts: non-coding transcript variant (1).
Genome position (GRCh38, 1-based): chr2:74,370,669, C>A on the plus strand (G>T on the coding strand, the complement: DCTN1 is on the minus strand). VCF-style: chr2-74370669-C-A. GRCh37 (hg19) VCF-style: chr2-74597796-C-A.
Other names: c.940G>T, p.Glu314Ter (NM_001135040.3); c.598G>T, p.Glu200Ter (NM_001135041.3, NM_023019.4); c.889G>T, p.Glu297Ter (NM_001190836.2); c.979G>T, p.Glu327Ter (NM_001190837.2); c.949G>T, p.Glu317Ter (NM_001378991.1); c.931G>T, p.Glu311Ter (NM_001378992.1); short protein forms E200*, E314*, E297*, E311*, E334*, E317*, E327*.
Identifiers: ClinVar variation 2938785 (VCV002938785.3), dbSNP rs563898085, ClinGen allele CA347364189.